The following is an entry in ClinVar:

NM_017636.4(TRPM4):c.3329-14G>C

Gene: TRPM4 (transient receptor potential cation channel subfamily M member 4; plus strand). Cytogenetic location: 19q13.33.
Variant type: single nucleotide variant.
Coding change: c.3329-14G>C on transcript NM_017636.4 (MANE Select); 14 bases into the intron before coding-DNA position 3329, G replaced by C.
Molecular consequence: intron variant.
Genome position (GRCh38, 1-based): chr19:49,210,696, G>C. VCF-style: chr19-49210696-G-C. GRCh37 (hg19) VCF-style: chr19-49713953-G-C.
Other names: c.2894-14G>C (NM_001195227.2); c.1721-14G>C (NM_001321282.2); c.2984-14G>C (NM_001321281.2); c.2807-14G>C (NM_001321283.2); c.2267-14G>C (NM_001321285.2).
Identifiers: ClinVar variation 509222 (VCV000509222.8), dbSNP rs777092081, ClinGen allele CA9569868.

ClinVar aggregate classification (germline): Likely benign. Review status: criteria provided, multiple submitters, no conflicts (2 of 4 stars). 2 submissions from 2 submitters: Likely benign (2). Last evaluated 2026-01-18.

Conditions:
Progressive familial heart block type IB (PFHB1B). Identifiers: Orphanet 871, MedGen C1970298, MONDO:0011474, OMIM 604559.

Allele frequency attached by ClinVar (database versions not stated): ExAC 0.00007; gnomAD exomes 0.00010; gnomAD 0.00013 and 0.00014; TOPMed 0.00019.
gnomAD v4.1: 134 of 1,613,416 alleles (0.0083%); highest among the groups gnomAD compares: Admixed American, 0.04%; 1 homozygote.

Submissions (2):

Labcorp Genetics (formerly Invitae), Labcorp
Classification: Likely benign for Progressive familial heart block type IB. Last evaluated: 2026-01-18. Review status: criteria provided, single submitter. Criteria: Invitae Variant Classification Sherloc (09022015). Collection method: clinical testing. Allele origin: germline.

GeneDx
Classification: Likely benign. Last evaluated: 2017-04-28. Review status: criteria provided, single submitter. Criteria: GeneDx Variant Classification (06012015). Collection method: clinical testing. Allele origin: germline. Affected: yes.
Comment: This variant is considered likely benign or benign based on one or more of the following criteria: it is a conservative change, it occurs at a poorly conserved position in the protein, it is predicted to be benign by multiple in silico algorithms, and/or has population frequency not consistent with disease.